The following is an entry in ClinVar:

NC_000003.12:g.169764611C>T

Gene: TERC (telomerase RNA component; minus strand). Cytogenetic location: 3q26.2.
Variant type: single nucleotide variant.
Genome position: GRCh38 VCF-style: chr3-169764611-C-T. GRCh37 (hg19) VCF-style: chr3-169482399-C-T.
Other names: NR_001566.1:r.450g>a.
Identifiers: ClinVar variation 39296 (VCV000039296.11), dbSNP rs199422287, ClinGen allele CA343768.
Genomic context (GRCh38, chr3:169,764,611, plus strand): 5'-CGGCGAGGGGTGACGGATGCGCACGATCGGCGTTCCCCCCACCAACAGGAAAGCGAACTG[C>T]ATGTGTGAGCCGAGTCCTGGGTGCACGTCCCACAGCTCAGGGAATCGCGCCGCGCGCGGG-3'

ClinVar aggregate classification (germline): Uncertain significance. Review status: criteria provided, single submitter (1 of 4 stars). 2 submissions from 2 submitters: Uncertain significance (1). 1 of the submissions does not count toward it. Last evaluated 2024-02-06.

Conditions:
Aplastic anemia. Identifiers: Orphanet 182040, Orphanet 88, MedGen C0002874, MONDO:0015909, OMIM 609135, HP:0001915.
Dyskeratosis congenita, autosomal dominant 1 (DKCA1). Also called: Dyskeratosis congenita Scoggins type. Identifiers: Orphanet 1775, MedGen C4551974, MONDO:0007485, OMIM 127550. Inheritance: Variable.

Allele frequency attached by ClinVar (database versions not stated): ExAC 0.00001; gnomAD exomes 0.00001.
gnomAD v4.1: 5 of 684,978 alleles (0.00073%); highest among the groups gnomAD compares: Non-Finnish European, 0.0013%; no homozygotes.

Submissions (2):

Labcorp Genetics (formerly Invitae), Labcorp
Classification: Uncertain significance for Dyskeratosis congenita, autosomal dominant 1. Last evaluated: 2024-02-06. Review status: criteria provided, single submitter. Criteria: Invitae Variant Classification Sherloc (09022015). Collection method: clinical testing. Allele origin: germline.
Comment: This variant occurs in the TERC gene, which encodes an RNA molecule that does not result in a protein product. This variant is present in population databases (rs199422287, gnomAD 0.001%). This variant has been observed in individual(s) with aplastic anemia (PMID: 12676774). ClinVar contains an entry for this variant (Variation ID: 39296). Algorithms developed to predict the effect of variants on protein structure and function are not available or were not evaluated for this variant. Experimental studies have shown that this variant does not substantially affect TERC function (PMID: 15550482, 19095616, 19835419). This variant is located within the BoxH/ACA scaRNA domain of the TERC RNA component, which is required for telomerase activity (PMID: 21844345). In summary, the available evidence is currently insufficient to determine the role of this variant in disease. Therefore, it has been classified as a Variant of Uncertain Significance.

GeneReviews
Classification: Pathogenic for Dyskeratosis Congenita. Last evaluated: 2012-05-10. Review status: no assertion criteria provided. Collection method: curation. Allele origin: unknown. Not counted in ClinVar's aggregate classification.
ClinVar note: Converted during submission from pathologic to Pathogenic.

Literature cited by the submitters: PubMed 12676774 (cited by Labcorp Genetics (formerly Invitae), Labcorp); PubMed 15550482 (cited by Labcorp Genetics (formerly Invitae), Labcorp); PubMed 19095616 (cited by Labcorp Genetics (formerly Invitae), Labcorp); PubMed 19835419 (cited by Labcorp Genetics (formerly Invitae), Labcorp); PubMed 21844345 (cited by Labcorp Genetics (formerly Invitae), Labcorp).